The following is an entry in ClinVar:

NM_025114.4(CEP290):c.6388C>A (p.Leu2130Met)

Gene: CEP290 (centrosomal protein 290; minus strand). Cytogenetic location: 12q21.32.
Variant type: single nucleotide variant.
Coding change: c.6388C>A on transcript NM_025114.4 (MANE Select); coding-DNA position 6388, C replaced by A.
Protein change: p.Leu2130Met; replaces leucine 2130 with methionine.
Molecular consequence: missense variant.
Genome position (GRCh38, 1-based): chr12:88,060,964, G>T on the plus strand (C>A on the coding strand, the complement: CEP290 is on the minus strand). VCF-style: chr12-88060964-G-T. GRCh37 (hg19) VCF-style: chr12-88454741-G-T.
Other names: short protein forms L2130M.
Identifiers: ClinVar variation 1502455 (VCV001502455.7), dbSNP rs1178627897, ClinGen allele CA385978868.
Genomic context (GRCh38, chr12:88,060,964, plus strand): 5'-GTTCATTTTCTCTCTGGACTTTTTCAACTACTTTTTTCATTAAACCAATGGTTTTTTCCA[G>T]TTCTGGGATTGTCTTTCCACTTCTACCAGACTACGAAAGAATATGTTAAATCTTTAATCA-3'
Protein context (NP_079390.3, residues 2120-2140): SGRSGKTIPE[Leu2130Met]EKTIGLMKKV

ClinVar aggregate classification (germline): Uncertain significance. Review status: criteria provided, multiple submitters, no conflicts (2 of 4 stars). 2 submissions from 2 submitters: Uncertain significance (2). Last evaluated 2024-03-09.

Conditions:
Meckel-Gruber syndrome. Also called: DYSENCEPHALIA SPLANCHNOCYSTICA; GRUBER SYNDROME; Dysencephalia splachnocystica. Identifiers: Orphanet 564, MedGen C0265215, MONDO:0018921.
Joubert syndrome. Also called: JOUBERT-BOLTSHAUSER SYNDROME; Familial aplasia of the vermis. Identifiers: Orphanet 475, MedGen C5979921, MONDO:0018772.
Nephronophthisis. Also called: Juvenile Nephronophthisis. Identifiers: Orphanet 655, MedGen C0687120, MONDO:0019005, HP:0000090.

Allele frequency attached by ClinVar (database versions not stated): TOPMed 0.00001.
gnomAD v4.1: 10 of 1,560,374 alleles (0.00064%); highest among the groups gnomAD compares: South Asian, 0.0012%; no homozygotes.

Submissions (2):

Labcorp Genetics (formerly Invitae), Labcorp
Classification: Uncertain significance for Joubert syndrome; Meckel-Gruber syndrome; Nephronophthisis. Last evaluated: 2024-03-09. Review status: criteria provided, single submitter. Criteria: Invitae Variant Classification Sherloc (09022015). Collection method: clinical testing. Allele origin: germline.
Comment: This sequence change replaces leucine, which is neutral and non-polar, with methionine, which is neutral and non-polar, at codon 2130 of the CEP290 protein (p.Leu2130Met). This variant is present in population databases (no rsID available, gnomAD 0.001%). This variant has not been reported in the literature in individuals affected with CEP290-related conditions. ClinVar contains an entry for this variant (Variation ID: 1502455). Advanced modeling of protein sequence and biophysical properties (such as structural, functional, and spatial information, amino acid conservation, physicochemical variation, residue mobility, and thermodynamic stability) has been performed at Invitae for this missense variant, however the output from this modeling did not meet the statistical confidence thresholds required to predict the impact of this variant on CEP290 protein function. In summary, the available evidence is currently insufficient to determine the role of this variant in disease. Therefore, it has been classified as a Variant of Uncertain Significance.

Blueprint Genetics
Classification: Uncertain significance. Last evaluated: 2023-12-28. Review status: criteria provided, single submitter. Criteria: ACMG Guidelines, 2015. Collection method: clinical testing. Allele origin: germline.